The following is an entry in ClinVar:

ClinVar aggregate classification (germline): Uncertain significance (1 of 4 stars; one submission).

Conditions:
Bloom syndrome (BLM). Also called: Bloom-Torre-Machacek syndrome. Identifiers: Orphanet 125, MedGen C0005859, MONDO:0008876, OMIM 210900.

Submission:

Labcorp Genetics (formerly Invitae), Labcorp
Classification: Uncertain significance for Bloom syndrome. Last evaluated: 2019-01-31. Review status: criteria provided, single submitter. Criteria: Invitae Variant Classification Sherloc (09022015). Collection method: clinical testing. Allele origin: germline.
Comment: This sequence change replaces serine with asparagine at codon 1300 of the BLM protein (p.Ser1300Asn). The serine residue is weakly conserved and there is a small physicochemical difference between serine and asparagine. This variant is not present in population databases (ExAC no frequency). This variant has not been reported in the literature in individuals with BLM-related conditions. Algorithms developed to predict the effect of missense changes on protein structure and function output the following: SIFT: "Tolerated"; PolyPhen-2: "Benign"; Align-GVGD: "Class C0". The asparagine amino acid residue is found in multiple mammalian species, suggesting that this missense change does not adversely affect protein function. These predictions have not been confirmed by published functional studies and their clinical significance is uncertain. In summary, the available evidence is currently insufficient to determine the role of this variant in disease. Therefore, it has been classified as a Variant of Uncertain Significance.

NM_000057.4(BLM):c.3899G>A (p.Ser1300Asn)

Gene: BLM (BLM RecQ like helicase; plus strand). Cytogenetic location: 15q26.1.
Variant type: single nucleotide variant.
Coding change: c.3899G>A on transcript NM_000057.4 (MANE Select); coding-DNA position 3899, G replaced by A.
Protein change: p.Ser1300Asn; replaces serine 1300 with asparagine.
Molecular consequence: missense variant.
Genome position (GRCh38, 1-based): chr15:90,811,229, G>A. VCF-style: chr15-90811229-G-A. GRCh37 (hg19) VCF-style: chr15-91354459-G-A.
Other names: c.3899G>A, p.Ser1300Asn (NM_001287246.2); c.3506G>A, p.Ser1169Asn (NM_001287247.2); c.2774G>A, p.Ser925Asn (NM_001287248.2); short protein forms S1169N, S925N, S1300N.
Identifiers: ClinVar variation 856678 (VCV000856678.10), dbSNP rs1897407938, ClinGen allele CA393850479.